The following is an entry in ClinVar:

NM_000458.4(HNF1B):c.481A>T (p.Lys161Ter)

Gene: HNF1B (HNF1 homeobox B; minus strand). Cytogenetic location: 17q12.
Variant type: single nucleotide variant.
Coding change: c.481A>T on transcript NM_000458.4 (MANE Select); coding-DNA position 481, A replaced by T.
Protein change: p.Lys161Ter; replaces lysine 161 with a stop codon.
Molecular consequence: nonsense.
Genome position (GRCh38, 1-based): chr17:37,739,503, T>A on the plus strand (A>T on the coding strand, the complement: HNF1B is on the minus strand). VCF-style: chr17-37739503-T-A. GRCh37 (hg19) VCF-style: chr17-36099494-T-A.
Other names: c.481A>T (NM_000458.3); c.481A>T, p.Lys161Ter (NM_001165923.4, NM_001304286.2); short protein forms K161*.
Identifiers: ClinVar variation 975085 (VCV000975085.5), dbSNP rs2033928772, ClinGen allele CA398751292.
Genomic context (GRCh38, chr17:37,739,503, plus strand): 5'-GGAGGATCTCTCGTTGCTTTCTGACGTACCAGGTGTACAGAGCGGCACGCTTCTGGGTCT[T>A]CATAGGGGTGCCCTTGTTGAGATGCTGGGAGAGGTGCGACTGGTTCAGGCCGGTGACATC-3'

ClinVar aggregate classification (germline): Pathogenic. Review status: criteria provided, multiple submitters, no conflicts (2 of 4 stars). 2 submissions from 2 submitters: Pathogenic (2). Last evaluated 2024-10-08.

Conditions:
Renal cysts and diabetes syndrome (RCAD). Also called: Familial hypoplastic, glomerulocystic kidney; MATURITY-ONSET DIABETES OF THE YOUNG, TYPE 5. Identifiers: Orphanet 93111, MedGen C0431693, MONDO:0007669, OMIM 137920.
Maturity-onset diabetes of the young (MODY). Also called: Maturity onset diabetes mellitus in young. Identifiers: Orphanet 552, MedGen C0342276, MONDO:0018911, HP:0004904.

Submissions (2):

Victorian Clinical Genetics Services, Murdoch Childrens Research Institute
Classification: Pathogenic for Renal cysts and diabetes syndrome. Last evaluated: 2024-10-08. Review status: criteria provided, single submitter. Criteria: ACMG Guidelines, 2015. Collection method: clinical testing. Allele origin: germline. Inheritance: Autosomal dominant inheritance. Affected: yes.
Comment: Based on the classification scheme VCGS_Germline_v1.3.4, this variant is classified as Pathogenic. Following criteria are met: 0103 - Dominant negative, loss of function, and gain of function are all reported mechanisms of disease in this gene and are associated with type 2 diabetes mellitus (MIM#125853) and renal cysts and diabetes syndrome (MIM#137920; OMIM, PMID: 25536396, 11845238, 15509593). (I) 0107 - This gene is associated with autosomal dominant disease. (I) 0115 - Variants in this gene are known to have variable expressivity. There is significant interfamilial and intrafamilial variability of HNF1B-related nephropathy (PMID: 33305128). (I) 0201 - Variant is predicted to cause nonsense-mediated decay (NMD) and loss of protein (premature termination codon is located at least 54 nucleotides upstream of the final exon-exon junction). (SP) 0251 - This variant is heterozygous. (I) 0301 - Variant is absent from gnomAD (both v2 and v3). (SP) 0701 - Other NMD predicted variants comparable to the one identified in this case have very strong previous evidence for pathogenicity (DECIPHER). (SP) 0803 - This variant has limited previous evidence of pathogenicity in an unrelated individual. This variant has been reported as pathogenic in an individual with diabetes mellitus and small kidneys (PMID: 32939031). (SP) 0905 - No published segregation evidence has been identified for this variant. (I) 1007 - No published functional evidence has been identified for this variant. (I) 1208 - Inheritance information for this variant is not currently available in this individual. (I) Legend: (SP) - Supporting pathogenic, (I) - Information, (SB) - Supporting benign

Clinical Genomics, Uppaluri K&H Personalized Medicine Clinic
Classification: Pathogenic for Maturity-onset diabetes of the young. Review status: criteria provided, single submitter. Criteria: K & H Uppaluri Personalized Medicine Clinic Variant Classification & Assertion Criteria_Updated V.1. Collection method: research. Allele origin: unknown. Inheritance: Autosomal dominant inheritance.
Comment: HNF1B gene mutations are associated with early onset diabetes and pancreatic atrophy. It is also associated with multiple renal manifestations including renal cysts, Tubulointerstitial disease, glomerulocystic disease, renal hypoplasia, hypomagnesemia. However no sufficient evidence is found to ascertain the role of this particular variant rs2033928772, yet.

Literature cited by the submitters: PubMed 11845238 (cited by Victorian Clinical Genetics Services, Murdoch Childrens Research Institute); PubMed 15509593 (cited by Victorian Clinical Genetics Services, Murdoch Childrens Research Institute); PubMed 25536396 (cited by Victorian Clinical Genetics Services, Murdoch Childrens Research Institute and Clinical Genomics, Uppaluri K&H Personalized Medicine Clinic); PubMed 32939031 (cited by Victorian Clinical Genetics Services, Murdoch Childrens Research Institute); PubMed 33305128 (cited by Victorian Clinical Genetics Services, Murdoch Childrens Research Institute); PubMed 24897035 (cited by Clinical Genomics, Uppaluri K&H Personalized Medicine Clinic); PubMed 27615128 (cited by Clinical Genomics, Uppaluri K&H Personalized Medicine Clinic); PubMed 28215227 (cited by Clinical Genomics, Uppaluri K&H Personalized Medicine Clinic); PubMed 33434175 (cited by Clinical Genomics, Uppaluri K&H Personalized Medicine Clinic); PubMed 25741167 (cited by Clinical Genomics, Uppaluri K&H Personalized Medicine Clinic); PubMed 26340261 (cited by Clinical Genomics, Uppaluri K&H Personalized Medicine Clinic); PubMed 19639018 (cited by Clinical Genomics, Uppaluri K&H Personalized Medicine Clinic).